The following is an entry in ClinVar:

ClinVar aggregate classification (germline): Likely pathogenic. Review status: criteria provided, multiple submitters, no conflicts (2 of 4 stars). 2 submissions from 2 submitters: Likely pathogenic (2). Last evaluated 2023-12-13.

Conditions:
Joubert syndrome and related disorders. Identifiers: Orphanet 140874, MedGen C5679612, MONDO:0015369.
Joubert syndrome. Also called: CEREBELLOPARENCHYMAL DISORDER IV; JOUBERT-BOLTSHAUSER SYNDROME; Familial aplasia of the vermis. Identifiers: Orphanet 475, MedGen C5979921, MONDO:0018772.

Allele frequency attached by ClinVar (database versions not stated): gnomAD 0.00001.
gnomAD v4.1: 4 of 1,566,192 alleles (0.00026%); highest among the groups gnomAD compares: Non-Finnish European, 0.00035%; no homozygotes.

Submissions (2):

Women's Health and Genetics/Laboratory Corporation of America, LabCorp
Classification: Likely pathogenic for Joubert syndrome and related disorders. Last evaluated: 2023-12-13. Review status: criteria provided, single submitter. Criteria: LabCorp Variant Classification Summary - May 2015. Collection method: clinical testing. Allele origin: germline.
Comment: Variant summary: AHI1 c.3426+2T>C is located in a canonical splice-site and is predicted to affect mRNA splicing resulting in a significantly altered protein due to either exon skipping, shortening, or inclusion of intronic material. Several computational tools predict a significant impact on normal splicing: Three predict the variant abolishes a 5' splicing donor site, while one predicts the variant weakens a 5' donor site. However, these predictions have yet to be confirmed by functional studies. The variant allele was found at a frequency of 8.7e-06 in 228776 control chromosomes. To our knowledge, no occurrence of c.3426+2T>C in individuals affected with Joubert Syndrome And Related Disorders and no experimental evidence demonstrating its impact on protein function have been reported. One submitter has cited clinical-significance assessments for this variant to ClinVar after 2014 and has classified the variant as likely pathogenic. Based on the evidence outlined above, the variant was classified as likely pathogenic.

Labcorp Genetics (formerly Invitae), Labcorp
Classification: Likely pathogenic for Joubert syndrome. Last evaluated: 2023-12-07. Review status: criteria provided, single submitter. Criteria: Invitae Variant Classification Sherloc (09022015). Collection method: clinical testing. Allele origin: germline.
Comment: This sequence change affects a donor splice site in intron 25 of the AHI1 gene. It is expected to disrupt RNA splicing. Variants that disrupt the donor or acceptor splice site typically lead to a loss of protein function (PMID: 16199547), and loss-of-function variants in AHI1 are known to be pathogenic (PMID: 15322546, 16453322, 28442542, 29186038). This variant is present in population databases (no rsID available, gnomAD 0.001%). This variant has not been reported in the literature in individuals affected with AHI1-related conditions. ClinVar contains an entry for this variant (Variation ID: 2032736). Algorithms developed to predict the effect of sequence changes on RNA splicing suggest that this variant may disrupt the consensus splice site. In summary, the currently available evidence indicates that the variant is pathogenic, but additional data are needed to prove that conclusively. Therefore, this variant has been classified as Likely Pathogenic.

Literature cited by the submitters: PubMed 16199547 (cited by Labcorp Genetics (formerly Invitae), Labcorp); PubMed 15322546 (cited by Labcorp Genetics (formerly Invitae), Labcorp); PubMed 16453322 (cited by Labcorp Genetics (formerly Invitae), Labcorp); PubMed 28442542 (cited by Labcorp Genetics (formerly Invitae), Labcorp); PubMed 29186038 (cited by Labcorp Genetics (formerly Invitae), Labcorp).

NM_001134831.2(AHI1):c.3426+2T>C

Gene: AHI1 (Abelson helper integration site 1; minus strand). Cytogenetic location: 6q23.3.
Variant type: single nucleotide variant.
Coding change: c.3426+2T>C on transcript NM_001134831.2 (MANE Select); the canonical splice donor site of the intron after coding-DNA position 3426, T replaced by C.
Molecular consequence: splice donor variant.
Genome position (GRCh38, 1-based): chr6:135,318,517, A>G on the plus strand (T>C on the coding strand, the complement: AHI1 is on the minus strand). VCF-style: chr6-135318517-A-G. GRCh37 (hg19) VCF-style: chr6-135639655-A-G.
Other names: c.3426+2T>C (NM_001134830.2, NM_001350503.2, NM_017651.5 and 1 more transcripts).
Identifiers: ClinVar variation 2032736 (VCV002032736.5), dbSNP rs893650468, ClinGen allele CA148533165.